The following is an entry in ClinVar:

ClinVar aggregate classification (germline): Uncertain significance. Review status: criteria provided, multiple submitters, no conflicts (2 of 4 stars). 5 submissions from 5 submitters: Uncertain significance (5). Last evaluated 2026-05-26.

Conditions:
Marfan syndrome (MFS). Also called: FBN1-Related Marfan Syndrome; Marfan syndrome type 1; Marfan's syndrome; Marfan syndrome, classic; MARFAN SYNDROME, TYPE I. Identifiers: Orphanet 284963, Orphanet 558, MedGen C0024796, MONDO:0007947, OMIM 154700.
Familial thoracic aortic aneurysm and aortic dissection (TAAD). Also called: Thoracic aortic aneurysms and dissections. Identifiers: Orphanet 91387, MedGen C4707243, MONDO:0019625.

Allele frequency attached by ClinVar (database versions not stated): TOPMed 0.00002; gnomAD exomes 0.00001.
gnomAD v4.1: 10 of 1,613,624 alleles (0.00062%); highest among the groups gnomAD compares: Non-Finnish European, 0.00085%; no homozygotes.

Submissions (5):

Ambry Genetics
Classification: Uncertain significance for Familial thoracic aortic aneurysm and aortic dissection. Last evaluated: 2026-05-26. Review status: criteria provided, single submitter. Criteria: Ambry Variant Classification Scheme 2023. Collection method: clinical testing. Allele origin: germline.

Color Diagnostics, LLC DBA Color Health
Classification: Uncertain significance for Familial thoracic aortic aneurysm and aortic dissection. Last evaluated: 2024-03-06. Review status: criteria provided, single submitter. Criteria: ACMG Guidelines, 2015. Collection method: clinical testing. Allele origin: germline.
Comment: This missense variant replaces proline with leucine at codon 2002 of the FBN1 protein. Computational prediction suggests that this variant may have deleterious impact on protein structure and function (internally defined REVEL score threshold >= 0.7, PMID: 27666373). To our knowledge, functional studies have not been reported for this variant. This variant has not been reported in individuals affected with cardiovascular disorders in the literature. This variant has not been identified in the general population by the Genome Aggregation Database (gnomAD). The available evidence is insufficient to determine the role of this variant in disease conclusively. Therefore, this variant is classified as a Variant of Uncertain Significance.

All of Us Research Program, National Institutes of Health
Classification: Uncertain significance for Marfan syndrome. Last evaluated: 2023-11-20. Review status: criteria provided, single submitter. Criteria: ACMG Guidelines, 2015. Collection method: clinical testing. Allele origin: germline. Inheritance: Autosomal dominant inheritance. Observed: 2 variant alleles, 2 heterozygotes.
Comment: This missense variant replaces proline with leucine at codon 2002 of the FBN1 protein. Computational prediction suggests that this variant may have deleterious impact on protein structure and function (internally defined REVEL score threshold >= 0.7, PMID: 27666373). To our knowledge, functional studies have not been reported for this variant. This variant has not been reported in individuals affected with cardiovascular disorders in the literature. This variant has not been identified in the general population by the Genome Aggregation Database (gnomAD). The available evidence is insufficient to determine the role of this variant in disease conclusively. Therefore, this variant is classified as a Variant of Uncertain Significance.

This study involves interpretation of variants in research participants for the purpose of population health screening. Participant phenotype was not available at the time of variant classification. Additional details can be found in publication PMID: 35346344, PMCID: PMC8962531

Labcorp Genetics (formerly Invitae), Labcorp
Classification: Uncertain significance for Marfan syndrome; Familial thoracic aortic aneurysm and aortic dissection. Last evaluated: 2022-07-29. Review status: criteria provided, single submitter. Criteria: Invitae Variant Classification Sherloc (09022015). Collection method: clinical testing. Allele origin: germline.
Comment: This sequence change replaces proline, which is neutral and non-polar, with leucine, which is neutral and non-polar, at codon 2002 of the FBN1 protein (p.Pro2002Leu). This variant is not present in population databases (gnomAD no frequency). This variant has not been reported in the literature in individuals affected with FBN1-related conditions. ClinVar contains an entry for this variant (Variation ID: 618121). Advanced modeling of protein sequence and biophysical properties (such as structural, functional, and spatial information, amino acid conservation, physicochemical variation, residue mobility, and thermodynamic stability) performed at Invitae indicates that this missense variant is expected to disrupt FBN1 protein function. In summary, the available evidence is currently insufficient to determine the role of this variant in disease. Therefore, it has been classified as a Variant of Uncertain Significance.

ARUP Laboratories, Molecular Genetics and Genomics, ARUP Laboratories
Classification: Uncertain significance. Last evaluated: 2018-03-23. Review status: criteria provided, single submitter. Criteria: ARUP Molecular Germline Variant Investigation Process. Collection method: clinical testing. Allele origin: germline.
Comment: The FBN1 c.6005C>T; p.Pro2002Leu variant, to our knowledge, is not reported in the medical literature, gene specific variation databases, nor has it been previously identified by our laboratory. This variant is absent from the general population databases (1000 Genomes Project, Exome Variant Server, Genome Aggregation Database), indicating it is not a common polymorphism. The proline at position 2002 is highly conserved, considering 12 species, and computational analyses of the effects of the p.Pro2002Leu variant on protein structure and function predict a deleterious effect (SIFT: damaging, PolyPhen-2: probably damaging). Based on the available information, the clinical significance of the p.Pro2002Leu variant cannot be determined with certainty.

NM_000138.5(FBN1):c.6005C>T (p.Pro2002Leu)

Gene: FBN1 (fibrillin 1; minus strand). Cytogenetic location: 15q21.1.
Variant type: single nucleotide variant.
Coding change: c.6005C>T on transcript NM_000138.5 (MANE Select); coding-DNA position 6005, C replaced by T.
Protein change: p.Pro2002Leu; replaces proline 2002 with leucine.
Molecular consequence: missense variant.
Genome position (GRCh38, 1-based): chr15:48,444,573, G>A on the plus strand (C>T on the coding strand, the complement: FBN1 is on the minus strand). VCF-style: chr15-48444573-G-A. GRCh37 (hg19) VCF-style: chr15-48736770-G-A.
Other names: short protein forms P2002L.
Identifiers: ClinVar variation 618121 (VCV000618121.16), dbSNP rs1566898093, ClinGen allele CA392339640.